The following is an entry in ClinVar:

NM_015221.4(DNMBP):c.800G>T (p.Gly267Val)

Genes: DNMBP-AS1 (DNMBP antisense RNA 1; plus strand), DNMBP (dynamin binding protein; minus strand). Cytogenetic location: 10q24.2.
Variant type: single nucleotide variant.
Coding change: c.800G>T on transcript NM_015221.4 (MANE Select); coding-DNA position 800, G replaced by T.
Protein change: p.Gly267Val; replaces glycine 267 with valine.
Molecular consequence: missense variant. On other transcripts: non-coding transcript variant (1).
Genome position (GRCh38, 1-based): chr10:99,956,674, C>A on the plus strand (G>T on the coding strand, the complement: DNMBP is on the minus strand). VCF-style: chr10-99956674-C-A. GRCh37 (hg19) VCF-style: chr10-101716431-C-A.
Other names: c.800G>T, p.Gly267Val (NM_001441288.1, NM_001441287.1); short protein forms G267V.
Identifiers: ClinVar variation 5007760 (VCV005007760.2).
Genomic context (GRCh38, chr10:99,956,674, plus strand): 5'-CCCTTCAGGGATCCTTCCAGCCAGCCATCTTCCAAGGTCGCCAGAATTCGGATTTTATCC[C>A]CGACCTCGAAATCCAGCTCATTTGGCTCCAGGGCTTGGAATCTGTACAGGGCGACCCCAT-3'
Protein context (NP_056036.1, residues 257-277): LEPNELDFEV[Gly267Val]DKIRILATLE

ClinVar aggregate classification (germline): Likely pathogenic (1 of 4 stars; one submission).

Conditions:
Cataract 48. Identifiers: MedGen C5193082, MONDO:0032735, OMIM 618415.

gnomAD v4.1: 1 of 1,613,632 alleles (0.000062%); highest among the groups gnomAD compares: African/African-American, 0.0013%; no homozygotes.

Submission:

Juno Genomics, Hangzhou Juno Genomics, Inc
Classification: Likely pathogenic for Cataract 48. Review status: criteria provided, single submitter. Criteria: ACMG Guidelines, 2015. Collection method: clinical testing. Allele origin: germline.
Comment: Absent from controls (or at extremely low frequency if recessive) in Genome Aggregation Database.;Multiple lines of computational evidence support a deleterious effect on the gene or gene product.;For recessive disorders, detected in trans with a pathogenic variant.;Patient's phenotype or family history is highly specific for a disease with a single genetic etiology.